The following is an entry in ClinVar:

NM_016335.6(PRODH):c.1094del (p.Val365fs)

Gene: PRODH (proline dehydrogenase 1; minus strand). Cytogenetic location: 22q11.21.
Variant type: Deletion.
Coding change: c.1094del on transcript NM_016335.6 (MANE Select); coding-DNA position 1094, one base deleted (T; older notation c.1094delT).
Protein change: p.Val365fs; shifts the reading frame from valine 365.
Molecular consequence: frameshift variant.
Genome position (GRCh38, 1-based): chr22:18,919,716, A deleted on the plus strand (T on the coding strand, the reverse complement: PRODH is on the minus strand). VCF-style (leftmost placement, unchanged base first): chr22-18919715-GA-G. GRCh37 (hg19) VCF-style: chr22-18907228-GA-G.
Other names: c.770del, p.Val257fs (NM_001195226.2, NM_001368250.2); short protein forms V257fs, V365fs.
Identifiers: ClinVar variation 3708754 (VCV003708754.2).

ClinVar aggregate classification (germline): Pathogenic (1 of 4 stars; one submission).

Conditions:
Proline dehydrogenase deficiency (HYRPRO1). Also called: Hyperprolinemia type 1; PROLINE OXIDASE DEFICIENCY. Identifiers: Orphanet 419, MedGen C0268529, MONDO:0009400, OMIM 239500.

Submission:

Labcorp Genetics (formerly Invitae), Labcorp
Classification: Pathogenic for Proline dehydrogenase deficiency. Last evaluated: 2024-12-31. Review status: criteria provided, single submitter. Criteria: Invitae Variant Classification Sherloc (09022015). Collection method: clinical testing. Allele origin: germline.
Comment: This sequence change creates a premature translational stop signal (p.Val365Alafs*13) in the PRODH gene. It is expected to result in an absent or disrupted protein product. Loss-of-function variants in PRODH are known to be pathogenic (PMID: 12525555, 15662599, 19736351). This variant is not present in population databases (gnomAD no frequency). This variant has not been reported in the literature in individuals affected with PRODH-related conditions. For these reasons, this variant has been classified as Pathogenic.

Literature cited by the submitters: PubMed 12525555; PubMed 15662599; PubMed 19736351.